The following is an entry in ClinVar:

NM_014946.4(SPAST):c.571del (p.Arg191fs)

Gene: SPAST (spastin; plus strand). Cytogenetic location: 2p22.3.
Variant type: Deletion.
Coding change: c.571del on transcript NM_014946.4 (MANE Select); coding-DNA position 571, one base deleted (C; older notation c.571delC).
Protein change: p.Arg191fs; shifts the reading frame from arginine 191.
Molecular consequence: frameshift variant.
Genome position (GRCh38, 1-based): chr2:32,089,590, C deleted; the last of 2 consecutive C bases (chr2:32,089,589-32,089,590); deleting either gives the same sequence. VCF-style (leftmost placement, unchanged base first): chr2-32089588-AC-A. GRCh37 (hg19) VCF-style: chr2-32314657-AC-A.
Other names: c.568del, p.Arg190fs (NM_001363823.2, NM_001363875.2); c.571del, p.Arg191fs (NM_001377959.1, NM_199436.2); c.571delC (NM_014946.3); short protein forms R190fs, R191fs.
Identifiers: ClinVar variation 372769 (VCV000372769.2), dbSNP rs1057517974, ClinGen allele CA16042409.

ClinVar aggregate classification (germline): Pathogenic (1 of 4 stars; one submission).

Submission:

GeneDx
Classification: Pathogenic. Last evaluated: 2016-10-18. Review status: criteria provided, single submitter. Criteria: GeneDx Variant Classification (06012015). Collection method: clinical testing. Allele origin: germline. Affected: yes.
Comment: The c.571delC pathogenic variant in the SPAST gene has been reported previously in an individual with pure hereditary spastic paraplegia (McDermott et al., 2006). The deletion causes a frameshift starting with codon Arginine 191, changes this amino acid to an Alanine residue and creates a premature Stop codon at position 5 of the new reading frame, denoted p.Arg191AlafsX5. This pathogenic variant is predicted to cause loss of normal protein function either through protein truncation or nonsense-mediated mRNA decay.